The following is an entry in ClinVar:

ClinVar aggregate classification (germline): Uncertain significance (1 of 4 stars; one submission).

Allele frequency attached by ClinVar (database versions not stated): ExAC 0.00001; gnomAD 0.00001; 1000 Genomes Project 0.00020; gnomAD exomes below 0.00001; 1000 Genomes Project 30x 0.00031.
gnomAD v4.1: 5 of 1,614,040 alleles (0.00031%); highest among the groups gnomAD compares: African/African-American, 0.0027%; no homozygotes.

Submission:

Labcorp Genetics (formerly Invitae), Labcorp
Classification: Uncertain significance. Last evaluated: 2023-10-18. Review status: criteria provided, single submitter. Criteria: Invitae Variant Classification Sherloc (09022015). Collection method: clinical testing. Allele origin: germline.
Comment: This sequence change replaces asparagine, which is neutral and polar, with serine, which is neutral and polar, at codon 166 of the MPLKIP protein (p.Asn166Ser). This variant is present in population databases (rs557616399, gnomAD 0.007%). This variant has not been reported in the literature in individuals affected with MPLKIP-related conditions. Algorithms developed to predict the effect of missense changes on protein structure and function output the following: SIFT: "Not Available"; PolyPhen-2: "Benign"; Align-GVGD: "Not Available". The serine amino acid residue is found in multiple mammalian species, which suggests that this missense change does not adversely affect protein function. In summary, the available evidence is currently insufficient to determine the role of this variant in disease. Therefore, it has been classified as a Variant of Uncertain Significance.

NM_138701.4(MPLKIP):c.497A>G (p.Asn166Ser)

Gene: MPLKIP (M-phase specific PLK1 interacting protein; minus strand). Cytogenetic location: 7p14.1.
Variant type: single nucleotide variant.
Coding change: c.497A>G on transcript NM_138701.4 (MANE Select); coding-DNA position 497, A replaced by G.
Protein change: p.Asn166Ser; replaces asparagine 166 with serine.
Molecular consequence: missense variant.
Genome position (GRCh38, 1-based): chr7:40,133,102, T>C on the plus strand (A>G on the coding strand, the complement: MPLKIP is on the minus strand). VCF-style: chr7-40133102-T-C. GRCh37 (hg19) VCF-style: chr7-40172701-T-C.
Other names: short protein forms N166S.
Identifiers: ClinVar variation 2898287 (VCV002898287.2), dbSNP rs557616399, ClinGen allele CA4229163.